The following is an entry in ClinVar:

NM_000038.6(APC):c.4786C>T (p.Gln1596Ter)

Gene: APC (APC regulator of Wnt signaling pathway; plus strand). Cytogenetic location: 5q22.2.
Variant type: single nucleotide variant.
Coding change: c.4786C>T on transcript NM_000038.6 (MANE Select); coding-DNA position 4786, C replaced by T.
Protein change: p.Gln1596Ter; replaces glutamine 1596 with a stop codon.
Molecular consequence: nonsense. On other transcripts: non-coding transcript variant (2).
Genome position (GRCh38, 1-based): chr5:112,840,380, C>T. VCF-style: chr5-112840380-C-T. GRCh37 (hg19) VCF-style: chr5-112176077-C-T.
Other names: c.4786C>T, p.Gln1596Ter (NM_001127510.3, NM_001354895.2, NM_001407450.1); c.4732C>T, p.Gln1578Ter (NM_001127511.3); c.4840C>T, p.Gln1614Ter (NM_001354896.2, NM_001407447.1, NM_001407448.1 and 1 more transcripts); c.4816C>T, p.Gln1606Ter (NM_001354897.2); c.4711C>T, p.Gln1571Ter (NM_001354898.2); c.4702C>T, p.Gln1568Ter (NM_001354899.2); c.4663C>T, p.Gln1555Ter (NM_001354900.2); c.4609C>T, p.Gln1537Ter (NM_001354901.2, NM_001407453.1); and 11 more; short protein forms Q1436*, Q1505*, Q1596*, Q1212*, Q1555*, Q1571*, Q1578*, Q1586*.
Identifiers: ClinVar variation 3660442 (VCV003660442.2).

ClinVar aggregate classification (germline): Pathogenic (1 of 4 stars; one submission).

Conditions:
Familial adenomatous polyposis 1 (FAP1). Also called: FAMILIAL ADENOMATOUS POLYPOSIS 1, ATTENUATED; POLYPOSIS, ADENOMATOUS INTESTINAL. Identifiers: MedGen C2713442, MONDO:0021056, OMIM 175100. Disease mechanism: loss of function.

Submission:

Labcorp Genetics (formerly Invitae), Labcorp
Classification: Pathogenic for Familial adenomatous polyposis 1. Last evaluated: 2024-07-24. Review status: criteria provided, single submitter. Criteria: Invitae Variant Classification Sherloc (09022015). Collection method: clinical testing. Allele origin: germline.
Comment: This sequence change creates a premature translational stop signal (p.Gln1596*) in the APC gene. While this is not anticipated to result in nonsense mediated decay, it is expected to disrupt the last 1248 amino acid(s) of the APC protein. This variant is not present in population databases (gnomAD no frequency). This variant has not been reported in the literature in individuals affected with APC-related conditions. This variant is expected to disrupt the EB1 and HDLG binding sites, which mediate interactions with the cytoskeleton (PMID: 15311282, 17293347). While functional studies have not been performed to directly test the effect on APC protein function, this suggests that disruption of the C-terminal portion of the protein is functionally important. A different truncation (p.Tyr2645Lysfs*14) that lies downstream of this variant has been determined to be pathogenic (PMID: 9824584, 1316610, 27081525, 8381579, 22135120, Invitae). This suggests that deletion of this region of the APC protein is causative of disease. For these reasons, this variant has been classified as Pathogenic.

Literature cited by the submitters: PubMed 15311282; PubMed 17293347; PubMed 9824584; PubMed 1316610; PubMed 27081525; PubMed 8381579; PubMed 22135120.